The following is an entry in ClinVar:

NM_006348.5(COG5):c.154A>G (p.Ile52Val)

Gene: COG5 (component of oligomeric golgi complex 5; minus strand). Cytogenetic location: 7q22.3.
Variant type: single nucleotide variant.
Coding change: c.154A>G on transcript NM_006348.5 (MANE Select); coding-DNA position 154, A replaced by G.
Protein change: p.Ile52Val; replaces isoleucine 52 with valine.
Molecular consequence: missense variant.
Genome position (GRCh38, 1-based): chr7:107,558,056, T>C on the plus strand (A>G on the coding strand, the complement: COG5 is on the minus strand). VCF-style: chr7-107558056-T-C. GRCh37 (hg19) VCF-style: chr7-107198501-T-C.
Other names: c.154A>G, p.Ile52Val (NM_001161520.2, NM_001379511.1, NM_001379512.1 and 5 more transcripts); short protein forms I52V.
Identifiers: ClinVar variation 810171 (VCV000810171.45), dbSNP rs776828196, ClinGen allele CA4431521.
Genomic context (GRCh38, chr7:107,558,056, plus strand): 5'-CCAACTGACTGATTCCTTGGGCAAGTTTTGCTAGTTGTTCAGCAATTACAGCTTGATGAA[T>C]AGATTGAGAAGTATAAGTCTTTACATCAAAGTCTTCGTTTAAAAAGTCACTATAACACCC-3'
Protein context (NP_006339.4, residues 42-62): FDVKTYTSQS[Ile52Val]HQAVIAEQLA

ClinVar aggregate classification (germline): Uncertain significance. Review status: criteria provided, multiple submitters, no conflicts (2 of 4 stars). 2 submissions from 2 submitters: Uncertain significance (2). Last evaluated 2025-09-02.

Conditions:
COG5-congenital disorder of glycosylation. Also called: CDG IIi; CONGENITAL DISORDER OF GLYCOSYLATION, TYPE IIi; COG5-CDG. Identifiers: Orphanet 263487, MedGen C3150876, MONDO:0013325, OMIM 613612.

Allele frequency attached by ClinVar (database versions not stated): gnomAD exomes 0.00001 and 0.00006; TOPMed 0.00001; ExAC 0.00002; gnomAD 0.00002.
gnomAD v4.1: 20 of 1,613,720 alleles (0.0012%); highest among the groups gnomAD compares: Admixed American, 0.025%; no homozygotes.

Submissions (2):

Labcorp Genetics (formerly Invitae), Labcorp
Classification: Uncertain significance for COG5-congenital disorder of glycosylation. Last evaluated: 2025-09-02. Review status: criteria provided, single submitter. Criteria: Invitae Variant Classification Sherloc (09022015). Collection method: clinical testing. Allele origin: germline.
Comment: This sequence change replaces isoleucine, which is neutral and non-polar, with valine, which is neutral and non-polar, at codon 83 of the COG5 protein (p.Ile83Val). This variant is present in population databases (rs776828196, gnomAD 0.04%). This variant has not been reported in the literature in individuals affected with COG5-related conditions. ClinVar contains an entry for this variant (Variation ID: 810171). Invitae Evidence Modeling of protein sequence and biophysical properties (such as structural, functional, and spatial information, amino acid conservation, physicochemical variation, residue mobility, and thermodynamic stability) indicates that this missense variant is not expected to disrupt COG5 protein function with a negative predictive value of 80%. In summary, the available evidence is currently insufficient to determine the role of this variant in disease. Therefore, it has been classified as a Variant of Uncertain Significance.

CeGaT Center for Human Genetics Tuebingen
Classification: Uncertain significance. Last evaluated: 2019-03-01. Review status: criteria provided, single submitter. Criteria: CeGaT Center For Human Genetics Tuebingen Variant Classification Criteria Version 2. Collection method: clinical testing. Allele origin: germline. Affected: yes. Observed: 4 variant alleles.